The following is an entry in ClinVar:

ClinVar aggregate classification (germline): Uncertain significance. Review status: criteria provided, multiple submitters, no conflicts (2 of 4 stars). 2 submissions from 2 submitters: Uncertain significance (2). Last evaluated 2025-11-04.

Submissions (2):

Labcorp Genetics (formerly Invitae), Labcorp
Classification: Uncertain significance. Last evaluated: 2025-11-04. Review status: criteria provided, single submitter. Criteria: Invitae Variant Classification Sherloc (09022015). Collection method: clinical testing. Allele origin: germline.
Comment: This sequence change replaces phenylalanine, which is neutral and non-polar, with leucine, which is neutral and non-polar, at codon 270 of the FBLN5 protein (p.Phe270Leu). This variant is not present in population databases (gnomAD no frequency). This variant has not been reported in the literature in individuals affected with FBLN5-related conditions. ClinVar contains an entry for this variant (Variation ID: 3067727). Invitae Evidence Modeling of protein sequence and biophysical properties (such as structural, functional, and spatial information, amino acid conservation, physicochemical variation, residue mobility, and thermodynamic stability) indicates that this missense variant is not expected to disrupt FBLN5 protein function with a negative predictive value of 80%. In summary, the available evidence is currently insufficient to determine the role of this variant in disease. Therefore, it has been classified as a Variant of Uncertain Significance.

CeGaT Center for Human Genetics Tuebingen
Classification: Uncertain significance. Last evaluated: 2024-03-01. Review status: criteria provided, single submitter. Criteria: CeGaT Center For Human Genetics Tuebingen Variant Classification Criteria Version 2. Collection method: clinical testing. Allele origin: germline. Affected: yes. Observed: 1 variant allele.
Comment: FBLN5: PM2

NM_006329.4(FBLN5):c.808T>C (p.Phe270Leu)

Gene: FBLN5 (fibulin 5; minus strand). Cytogenetic location: 14q32.12.
Variant type: single nucleotide variant.
Coding change: c.808T>C on transcript NM_006329.4 (MANE Select); coding-DNA position 808, T replaced by C.
Protein change: p.Phe270Leu; replaces phenylalanine 270 with leucine.
Molecular consequence: missense variant.
Genome position (GRCh38, 1-based): chr14:91,883,008, A>G on the plus strand (T>C on the coding strand, the complement: FBLN5 is on the minus strand). VCF-style: chr14-91883008-A-G. GRCh37 (hg19) VCF-style: chr14-92349352-A-G.
Other names: c.931T>C, p.Phe311Leu (NM_001384158.1); c.859T>C, p.Phe287Leu (NM_001384159.1); c.808T>C, p.Phe270Leu (NM_001384160.1); c.640T>C, p.Phe214Leu (NM_001384161.1, NM_001384162.1); short protein forms F214L, F270L, F287L, F311L.
Identifiers: ClinVar variation 3067727 (VCV003067727.22), dbSNP rs1889549137, ClinGen allele CA390642340.